The following is an entry in ClinVar:

ClinVar aggregate classification (germline): Uncertain significance (1 of 4 stars; one submission).

Submission:

Labcorp Genetics (formerly Invitae), Labcorp
Classification: Uncertain significance. Last evaluated: 2024-05-13. Review status: criteria provided, single submitter. Criteria: Invitae Variant Classification Sherloc (09022015). Collection method: clinical testing. Allele origin: germline.
Comment: This sequence change replaces aspartic acid, which is acidic and polar, with glycine, which is neutral and non-polar, at codon 223 of the MCM5 protein (p.Asp223Gly). This variant is present in population databases (rs767411451, gnomAD 0.003%). This variant has not been reported in the literature in individuals affected with MCM5-related conditions. Advanced modeling of protein sequence and biophysical properties (such as structural, functional, and spatial information, amino acid conservation, physicochemical variation, residue mobility, and thermodynamic stability) performed at Invitae indicates that this missense variant is expected to disrupt MCM5 protein function with a positive predictive value of 80%. In summary, the available evidence is currently insufficient to determine the role of this variant in disease. Therefore, it has been classified as a Variant of Uncertain Significance.

NM_006739.4(MCM5):c.668A>G (p.Asp223Gly)

Gene: MCM5 (minichromosome maintenance complex component 5; plus strand). Cytogenetic location: 22q12.3.
Variant type: single nucleotide variant.
Coding change: c.668A>G on transcript NM_006739.4 (MANE Select); coding-DNA position 668, A replaced by G.
Protein change: p.Asp223Gly; replaces aspartic acid 223 with glycine.
Molecular consequence: missense variant.
Genome position (GRCh38, 1-based): chr22:35,408,479, A>G. VCF-style: chr22-35408479-A-G. GRCh37 (hg19) VCF-style: chr22-35804472-A-G.
Other names: short protein forms D223G.
Identifiers: ClinVar variation 3613646 (VCV003613646.2).